The following is an entry in ClinVar:

ClinVar aggregate classification (germline): Likely benign (1 of 4 stars; one submission).

Submission:

CeGaT Center for Human Genetics Tuebingen
Classification: Likely benign. Last evaluated: 2026-04-01. Review status: criteria provided, single submitter. Criteria: CeGaT Center For Human Genetics Tuebingen Variant Classification Criteria Version 2. Collection method: clinical testing. Allele origin: germline. Affected: yes. Observed: 1 variant allele.
Comment: RBPJ: BP4, BP7

NM_015874.6(RBPJ):c.999T>G (p.Pro333=)

Gene: RBPJ (recombination signal binding protein for immunoglobulin kappa J region; plus strand). Cytogenetic location: 4p15.2.
Variant type: single nucleotide variant.
Coding change: c.999T>G on transcript NM_015874.6 (MANE Select); coding-DNA position 999, T replaced by G.
Protein change: p.Pro333=; no amino-acid change (proline 333 retained).
Molecular consequence: synonymous variant. On other transcripts: intron variant (2).
Genome position (GRCh38, 1-based): chr4:26,430,008, T>G. VCF-style: chr4-26430008-T-G. GRCh37 (hg19) VCF-style: chr4-26431630-T-G.
Other names: c.933T>G, p.Pro311= (NM_001363577.2, NM_203283.5); c.1038T>G, p.Pro346= (NM_001374400.1, NM_005349.4); c.996T>G, p.Pro332= (NM_001374401.1, NM_001374402.1, NM_001374403.1 and 3 more transcripts); c.928-411T>G (NM_001379408.1); c.883-411T>G (NM_001379409.1).
Identifiers: ClinVar variation 3771121 (VCV003771121.13).